The following is an entry in ClinVar:

NM_002661.5(PLCG2):c.2307+4C>G

Gene: PLCG2 (phospholipase C gamma 2; plus strand). Cytogenetic location: 16q23.3.
Variant type: single nucleotide variant.
Coding change: c.2307+4C>G on transcript NM_002661.5 (MANE Select); 4 bases into the intron after coding-DNA position 2307, C replaced by G.
Molecular consequence: intron variant.
Genome position (GRCh38, 1-based): chr16:81,921,273, C>G. VCF-style: chr16-81921273-C-G. GRCh37 (hg19) VCF-style: chr16-81954878-C-G.
Identifiers: ClinVar variation 1062128 (VCV001062128.9), dbSNP rs745912221, ClinGen allele CA724745350.

ClinVar aggregate classification (germline): Uncertain significance (1 of 4 stars; one submission).

Conditions:
Familial cold autoinflammatory syndrome 3 (FCAS3). Also called: ANTIBODY DEFICIENCY AND IMMUNE DYSREGULATION, PLCG2-ASSOCIATED; FAMILIAL ATYPICAL COLD URTICARIA. Identifiers: Orphanet 300359, MedGen C3280914, MONDO:0013766, OMIM 614468.

gnomAD v4.1: 1 of 1,590,236 alleles (0.000063%); highest among the groups gnomAD compares: Non-Finnish European, 0.000086%; no homozygotes.

Submission:

Labcorp Genetics (formerly Invitae), Labcorp
Classification: Uncertain significance for Familial cold autoinflammatory syndrome 3. Last evaluated: 2020-04-23. Review status: criteria provided, single submitter. Criteria: Invitae Variant Classification Sherloc (09022015). Collection method: clinical testing. Allele origin: germline.
Comment: In summary, the available evidence is currently insufficient to determine the role of this variant in disease. Therefore, it has been classified as a Variant of Uncertain Significance. Nucleotide substitutions within the consensus splice site are a relatively common cause of aberrant splicing (PMID: 17576681, 9536098). Algorithms developed to predict the effect of sequence changes on RNA splicing suggest that this variant may disrupt the consensus splice site, but this prediction has not been confirmed by published transcriptional studies. This variant is not present in population databases (ExAC no frequency). This sequence change falls in intron 21 of the PLCG2 gene. It does not directly change the encoded amino acid sequence of the PLCG2 protein, but it affects a nucleotide within the consensus splice site of the intron. This variant has not been reported in the literature in individuals with PLCG2-related conditions.

Literature cited by the submitters: PubMed 17576681; PubMed 9536098.